The following is an entry in ClinVar:

ClinVar aggregate classification (germline): Uncertain significance (1 of 4 stars; one submission).

Conditions:
Idiopathic generalized epilepsy. Also called: Generalised epilepsy; EIG. Identifiers: MedGen C0270850, MONDO:0005579, OMIM 600669.

Allele frequency attached by ClinVar (database versions not stated): TOPMed below 0.00001.
gnomAD v4.1: 2 of 1,613,528 alleles (0.00012%); highest among the groups gnomAD compares: Non-Finnish European, 0.00017%; no homozygotes.

Submission:

Labcorp Genetics (formerly Invitae), Labcorp
Classification: Uncertain significance for Idiopathic generalized epilepsy. Last evaluated: 2024-02-17. Review status: criteria provided, single submitter. Criteria: Invitae Variant Classification Sherloc (09022015). Collection method: clinical testing. Allele origin: germline.
Comment: This sequence change replaces alanine, which is neutral and non-polar, with valine, which is neutral and non-polar, at codon 368 of the RBFOX1 protein (p.Ala368Val). This variant is not present in population databases (gnomAD no frequency). This variant has not been reported in the literature in individuals affected with RBFOX1-related conditions. ClinVar contains an entry for this variant (Variation ID: 529517). An algorithm developed to predict the effect of missense changes on protein structure and function (PolyPhen-2) suggests that this variant is likely to be disruptive. In summary, the available evidence is currently insufficient to determine the role of this variant in disease. Therefore, it has been classified as a Variant of Uncertain Significance.

NM_018723.4(RBFOX1):c.1040C>T (p.Ala347Val)

Genes: RBFOX1 (RNA binding fox-1 homolog 1; plus strand), LOC126862279 (MED14-independent group 3 enhancer GRCh37_chr16:7758954-7760153; plus strand). Cytogenetic location: 16p13.3.
Variant type: single nucleotide variant.
Coding change: c.1040C>T on transcript NM_018723.4 (MANE Select); coding-DNA position 1040, C replaced by T.
Protein change: p.Ala347Val; replaces alanine 347 with valine.
Molecular consequence: missense variant.
Genome position (GRCh38, 1-based): chr16:7,709,100, C>T. VCF-style: chr16-7709100-C-T. GRCh37 (hg19) VCF-style: chr16-7759102-C-T.
Other names: c.959C>T, p.Ala320Val (NM_001142333.2); c.1040C>T, p.Ala347Val (NM_001142334.2); c.1169C>T, p.Ala390Val (NM_001308117.1); c.1093C>T, p.Leu365Phe (NM_001364800.2); c.1103C>T, p.Ala368Val (NM_145891.3, NM_145892.3); c.1156C>T, p.Leu386Phe (NM_145893.3); short protein forms A347V, A368V, A320V, L365F, A390V, L386F.
Identifiers: ClinVar variation 529517 (VCV000529517.11), dbSNP rs1555812114, ClinGen allele CA394795565.